The following is an entry in ClinVar:

NM_001999.4(FBN2):c.2066C>G (p.Ala689Gly)

Gene: FBN2 (fibrillin 2; minus strand). Cytogenetic location: 5q23.3.
Variant type: single nucleotide variant.
Coding change: c.2066C>G on transcript NM_001999.4 (MANE Select); coding-DNA position 2066, C replaced by G.
Protein change: p.Ala689Gly; replaces alanine 689 with glycine.
Molecular consequence: missense variant.
Genome position (GRCh38, 1-based): chr5:128,374,657, G>C on the plus strand (C>G on the coding strand, the complement: FBN2 is on the minus strand). VCF-style: chr5-128374657-G-C. GRCh37 (hg19) VCF-style: chr5-127710350-G-C.
Other names: short protein forms A689G.
Identifiers: ClinVar variation 239079 (VCV000239079.9), dbSNP rs781745158, ClinGen allele CA10582360.
Genomic context (GRCh38, chr5:128,374,657, plus strand): 5'-CAGTGGGGCCATTATAAAATGTTTCACTTACCAACACACACACGTCCATCCATGCCCACA[G>C]CCAGGCCTGGGGGACAGTCACAGCGGAAGGACCCTTCACTGTTGATGCAGTGCCCATTCA-3'
Protein context (NP_001990.2, residues 679-699): SFRCDCPPGL[Ala689Gly]VGMDGRVCVD

ClinVar aggregate classification (germline): Uncertain significance (1 of 4 stars; one submission).

Conditions:
Congenital contractural arachnodactyly (CCA). Also called: Beals-Hecht syndrome; BEALS SYNDROME; Arthrogryposis, distal, type 9. Identifiers: Orphanet 115, MedGen C0220668, MONDO:0007363, OMIM 121050.

Submission:

Labcorp Genetics (formerly Invitae), Labcorp
Classification: Uncertain significance for Congenital contractural arachnodactyly. Last evaluated: 2016-02-05. Review status: criteria provided, single submitter. Criteria: Invitae Variant Classification Sherloc (09022015). Collection method: clinical testing. Allele origin: germline.
Comment: In summary, this is a novel missense change with uncertain impact on protein function. It has been classified as a Variant of Uncertain Significance. Algorithms developed to predict the effect of missense changes on protein structure and function do not agree on the potential impact of this missense change (SIFT: "Deleterious"; PolyPhen-2: "Possibly Damaging"; Align-GVGD: "Class C0"). This sequence change replaces alanine with glycine at codon 689 of the FBN2 protein (p.Ala689Gly). The alanine residue is highly conserved and there is a small physicochemical difference between alanine and glycine. This variant is not present in population databases (ExAC no frequency) and has not been reported in the literature in individuals with a FBN2-related disease.